The following is an entry in ClinVar:

ClinVar aggregate classification (germline): Pathogenic/Likely pathogenic. Review status: criteria provided, multiple submitters, no conflicts (2 of 4 stars). 8 submissions from 8 submitters: Pathogenic (3); Likely pathogenic (2). 3 of the submissions do not count toward it. Last evaluated 2025-08-13.

Conditions:
Inborn genetic diseases. Identifiers: MedGen C0950123, MeSH D030342.
Autosomal dominant childhood-onset proximal spinal muscular atrophy with contractures (SMALED2A). Also called: SPINAL MUSCULAR ATROPHY, LOWER EXTREMITY-PREDOMINANT, 2A, CHILDHOOD ONSET, AUTOSOMAL DOMINANT; Spinal muscular atrophy, lower extremity-predominant, 2A, autosomal dominant. Identifiers: Orphanet 363447, Orphanet 363454, MedGen C4747715, MONDO:0014121, OMIM 615290.

Allele frequency attached by ClinVar (database versions not stated): gnomAD exomes below 0.00001; TOPMed below 0.00001; ExAC 0.00001; gnomAD 0.00001; ESP Exome Variant Server 0.00008.
gnomAD v4.1: 2 of 1,612,766 alleles (0.00012%); highest among the groups gnomAD compares: African/African-American, 0.0013%; no homozygotes.

Submissions (8):

GeneDx
Classification: Pathogenic. Last evaluated: 2025-08-13. Review status: criteria provided, single submitter. Criteria: GeneDx Variant Classification Process June 2021. Collection method: clinical testing. Allele origin: germline. Affected: yes.
Comment: Published functional studies demonstrate a damaging effect: abnormal protein localization, increased Golgi fragmentation, and increased microtuble stability (PMID: 29528393, 23664116); Not observed at significant frequency in large population cohorts (gnomAD); In silico analysis supports that this missense variant has a deleterious effect on protein structure/function; This variant is associated with the following publications: (PMID: 27784775, 33369814, 23664116, 28635954, 35982159, 34758253, 33057194, 29528393)

Labcorp Genetics (formerly Invitae), Labcorp
Classification: Pathogenic for Autosomal dominant childhood-onset proximal spinal muscular atrophy with contractures. Last evaluated: 2024-10-17. Review status: criteria provided, single submitter. Criteria: Invitae Variant Classification Sherloc (09022015). Collection method: clinical testing. Allele origin: germline.
Comment: This sequence change replaces threonine, which is neutral and polar, with methionine, which is neutral and non-polar, at codon 703 of the BICD2 protein (p.Thr703Met). This variant is present in population databases (rs371707778, gnomAD 0.004%). This missense change has been observed in individual(s) with clinical features of BICD2-related conditions (PMID: 23664116, 27784775, 28635954; internal data). In at least one individual the variant was observed to be de novo. ClinVar contains an entry for this variant (Variation ID: 55858). An algorithm developed to predict the effect of missense changes on protein structure and function (PolyPhen-2) suggests that this variant is likely to be disruptive. Experimental studies have shown that this missense change affects BICD2 function (PMID: 23664116, 27784775, 29528393). For these reasons, this variant has been classified as Pathogenic.

Mayo Clinic Laboratories, Mayo Clinic
Classification: Likely pathogenic. Last evaluated: 2023-11-02. Review status: criteria provided, single submitter. Criteria: ACMG Guidelines, 2015. Collection method: clinical testing. Allele origin: germline. Observed: 1 variant allele.
Comment: PP1, PS3, PS4_moderate

Ambry Genetics
Classification: Likely pathogenic for Inborn genetic diseases. Last evaluated: 2022-12-08. Review status: criteria provided, single submitter. Criteria: Ambry Variant Classification Scheme 2023. Collection method: clinical testing. Allele origin: germline.
Comment: The c.2108C>T (p.T703M) alteration is located in exon 6 (coding exon 6) of the BICD2 gene. This alteration results from a C to T substitution at nucleotide position 2108, causing the threonine (T) at amino acid position 703 to be replaced by a methionine (M). Based on data from gnomAD, the T allele has an overall frequency of 0.001% (2/281794) total alleles studied. The highest observed frequency was 0.004% (1/24960) of African alleles. This alteration was detected in multiple individuals with features consistent with lower extremity-predominant spinal muscular atrophy 2 (Storbeck, 2017; Unger, 2016; Neveling, 2013). This amino acid position is highly conserved in available vertebrate species. Multiple functional assays show aberrant protein function and mis-localization of protein in vitro and in vivo (Unger, 2016; Neveling, 2013; Martinez Carrera, 2018). The in silico prediction for this alteration is inconclusive. Based on the available evidence, this alteration is classified as likely pathogenic.

Institute of Human Genetics, University Hospital of Duesseldorf
Classification: Pathogenic for Autosomal dominant childhood-onset proximal spinal muscular atrophy with contractures. Review status: criteria provided, single submitter. Criteria: ACMG Guidelines, 2015. Collection method: not provided. Allele origin: germline. Inheritance: Autosomal dominant inheritance. Affected: yes.

Inherited Neuropathy Consortium Ii, University Of Miami
Classification: Uncertain significance for Autosomal dominant childhood-onset proximal spinal muscular atrophy with contractures. Last evaluated: 2016-01-06. Review status: no assertion criteria provided. Collection method: literature only. Allele origin: germline. Affected: yes. Not counted in ClinVar's aggregate classification.

OMIM
Classification: Pathogenic for SPINAL MUSCULAR ATROPHY, LOWER EXTREMITY-PREDOMINANT, 2A, CHILDHOOD ONSET, AUTOSOMAL DOMINANT. Last evaluated: 2013-06-06. Review status: no assertion criteria provided. Collection method: literature only. Allele origin: germline. Not counted in ClinVar's aggregate classification.

Genomics England Pilot Project, Genomics England
Classification: Likely pathogenic for Autosomal dominant childhood-onset proximal spinal muscular atrophy with contractures. Review status: no assertion criteria provided. Criteria: ACGS Guidelines, 2016. Collection method: clinical testing. Allele origin: germline. Affected: yes. Not counted in ClinVar's aggregate classification.

Literature cited by the submitters: PubMed 23664116 (cited by 4 submitters); PubMed 27784775 (cited by 4 submitters); PubMed 28635954 (cited by 4 submitters); PubMed 29528393 (cited by 3 submitters); PubMed 32057122 (cited by Mayo Clinic Laboratories, Mayo Clinic); PubMed 35354563 (cited by Mayo Clinic Laboratories, Mayo Clinic); PubMed 9713859 (cited by Mayo Clinic Laboratories, Mayo Clinic and OMIM); PubMed 8981948 (cited by Inherited Neuropathy Consortium Ii, University Of Miami).

NM_001003800.2(BICD2):c.2108C>T (p.Thr703Met)

Gene: BICD2 (BICD cargo adaptor 2; minus strand). Cytogenetic location: 9q22.31.
Variant type: single nucleotide variant.
Coding change: c.2108C>T on transcript NM_001003800.2 (MANE Select); coding-DNA position 2108, C replaced by T.
Protein change: p.Thr703Met; replaces threonine 703 with methionine.
Molecular consequence: missense variant.
Genome position (GRCh38, 1-based): chr9:92,717,947, G>A on the plus strand (C>T on the coding strand, the complement: BICD2 is on the minus strand). VCF-style: chr9-92717947-G-A. GRCh37 (hg19) VCF-style: chr9-95480229-G-A.
Other names: c.2108C>T, p.Thr703Met (NM_015250.4); short protein forms T703M.
Identifiers: ClinVar variation 55858 (VCV000055858.17), dbSNP rs371707778, ClinGen allele CA143966.